The following is an entry in ClinVar:

NM_205836.3(FBXO38):c.3284A>T (p.Asp1095Val)

Gene: FBXO38 (F-box protein 38; plus strand). Cytogenetic location: 5q32.
Variant type: single nucleotide variant.
Coding change: c.3284A>T on transcript NM_205836.3 (MANE Select); coding-DNA position 3284, A replaced by T.
Protein change: p.Asp1095Val; replaces aspartic acid 1095 with valine.
Molecular consequence: missense variant.
Genome position (GRCh38, 1-based): chr5:148,441,133, A>T. VCF-style: chr5-148441133-A-T. GRCh37 (hg19) VCF-style: chr5-147820696-A-T.
Other names: c.2549A>T, p.Asp850Val (NM_001271723.2); c.3059A>T, p.Asp1020Val (NM_030793.5); short protein forms D1095V, D850V, D1020V.
Identifiers: ClinVar variation 2860962 (VCV002860962.3), dbSNP rs2531864955, ClinGen allele CA361661268.
Genomic context (GRCh38, chr5:148,441,133, plus strand): 5'-GGCTCTGTCAGCACTCCCACGCCAGTTAGCAATGTTACATTTGTCTTTTAGGTGTTGTGG[A>T]TGGAGCTCCATATTCCATGATTTCTGACTTCCCTTGGCTGAGGTCATTACGAGCTGCAGA-3'
Protein context (NP_995308.1, residues 1085-1105): REIYTLEGVV[Asp1095Val]GAPYSMISDF

ClinVar aggregate classification (germline): Uncertain significance (1 of 4 stars; one submission).

Conditions:
Distal hereditary motor neuropathy type 2. Identifiers: Orphanet 139525, MedGen C3711384, MeSH C580044, MONDO:0015352.

gnomAD v4.1: 1 of 1,613,580 alleles (0.000062%); highest among the groups gnomAD compares: Non-Finnish European, 0.000085%; no homozygotes.

Submission:

Labcorp Genetics (formerly Invitae), Labcorp
Classification: Uncertain significance for Distal hereditary motor neuropathy type 2. Last evaluated: 2024-02-26. Review status: criteria provided, single submitter. Criteria: Invitae Variant Classification Sherloc (09022015). Collection method: clinical testing. Allele origin: germline.
Comment: This sequence change replaces aspartic acid, which is acidic and polar, with valine, which is neutral and non-polar, at codon 1020 of the FBXO38 protein (p.Asp1020Val). This variant is not present in population databases (gnomAD no frequency). This variant has not been reported in the literature in individuals affected with FBXO38-related conditions. An algorithm developed to predict the effect of missense changes on protein structure and function (PolyPhen-2) suggests that this variant is likely to be disruptive. In summary, the available evidence is currently insufficient to determine the role of this variant in disease. Therefore, it has been classified as a Variant of Uncertain Significance.